The following is an entry in ClinVar:

ClinVar aggregate classification (germline): Conflicting classifications of pathogenicity. Review status: criteria provided, conflicting classifications (1 of 4 stars). 15 submissions from 15 submitters: Pathogenic (2); Likely pathogenic (8); Uncertain significance (3); VUS-mid (1). 1 of the submissions does not count toward it. Last evaluated 2026-07-20.

Conditions:
TNNT2-related disorder. Also called: TNNT2-related condition.
Hypertrophic cardiomyopathy 2. Also called: TNNT2-Related Familial Hypertrophic Cardiomyopathy. Identifiers: MedGen C1861864, MONDO:0007266, OMIM 115195.
Dilated cardiomyopathy 1D. Identifiers: Orphanet 154, Orphanet 54260, MedGen C1832243, MONDO:0011095, OMIM 601494.
Cardiomyopathy, familial restrictive, 3. Identifiers: Orphanet 75249, MedGen C2676271, MONDO:0012900, OMIM 612422.
Cardiomyopathy (CMYO). Also called: Cardiomyopathies. Identifiers: Orphanet 167848, MedGen C0878544, MONDO:0004994, HP:0001638. Inheritance: Various modes of inheritance.
Cardiovascular phenotype. Identifiers: MedGen CN230736.
Primary dilated cardiomyopathy (DCM). Also called: Dilated Cardiomyopathy. Identifiers: Orphanet 217604, MedGen C0007193, MeSH D002311, MONDO:0005021, HP:0001644. Inheritance: Various modes of inheritance.

Allele frequency attached by ClinVar (database versions not stated): TOPMed 0.00001; gnomAD exomes 0.00001 and 0.00003.
gnomAD v4.1: 42 of 1,613,304 alleles (0.0026%); highest among the groups gnomAD compares: East Asian, 0.042%; no homozygotes.

Submissions 1 to 9 of 15:

Ambry Genetics
Classification: Uncertain significance for Cardiovascular phenotype. Last evaluated: 2026-07-20. Review status: criteria provided, single submitter. Criteria: Ambry Variant Classification Scheme 2023. Collection method: clinical testing. Allele origin: germline.
Comment: The p.R141Q variant (also known as c.422G>A), located in coding exon 9 of the TNNT2 gene, results from a G to A substitution at nucleotide position 422. The arginine at codon 141 is replaced by glutamine, an amino acid with highly similar properties. This alteration has been reported in individuals with dilated cardiomyopathy (DCM) (Rani R et al. Genomic Med, 2008 Dec;2:303-30; Bagnall RD et al. Circ Genom Precis Med, 2022 Dec;15:e003686; Wang Y et al. Pediatr Cardiol, 2022 Jan;43:110-120; Lian H et al. J Transl Med, 2023 Jul;21:476; Ambry internal data). Note, this variant is also referred to as p.R151Q in the literature. This amino acid position is highly conserved in available vertebrate species. In addition, this alteration is predicted to be deleterious by in silico analysis. Based on the available evidence, the clinical significance of this variant remains unclear.

3billion
Classification: Likely pathogenic for Hypertrophic cardiomyopathy 2. Last evaluated: 2026-01-09. Review status: criteria provided, single submitter. Criteria: ACMG Guidelines, 2015. Collection method: clinical testing. Allele origin: germline. Affected: yes.
Comment: The variant is observed at an extremely low frequency in the gnomAD v4.1.0 dataset (total allele frequency: 0.003%). Predicted Consequence/Location: Missense variant In silico tool predictions suggest damaging effect of the variant on gene or gene product [3Cnet: 0.99 (> 0.75, sensitivity 0.96 and precision 0.92)]. The same nucleotide change resulting in the same amino acid change has been previously reported as pathogenic/likely pathogenic with strong evidence (ClinVar ID: VCV000181617 /PMID: 19466586 /3billion dataset). Different missense changes at the same codon (p.Arg151Leu, p.Arg151Trp) have been reported as pathogenic/likely pathogenic with strong evidence (ClinVar ID: VCV000012414, VCV003337677 /PMID: 11684629). Therefore, this variant is classified as Likely pathogenic according to the recommendation of ACMG/AMP guideline.

Labcorp Genetics (formerly Invitae), Labcorp
Classification: Pathogenic for Cardiomyopathy, familial restrictive, 3; Hypertrophic cardiomyopathy 2; Dilated cardiomyopathy 1D. Last evaluated: 2025-12-27. Review status: criteria provided, single submitter. Criteria: Invitae Variant Classification Sherloc (09022015). Collection method: clinical testing. Allele origin: germline.
Comment: This sequence change replaces arginine, which is basic and polar, with glutamine, which is neutral and polar, at codon 141 of the TNNT2 protein (p.Arg141Gln). The frequency data for this variant in the population databases is considered unreliable, as metrics indicate poor data quality at this position in the gnomAD database. This missense change has been observed in individuals with TNNT2-related conditions (PMID: 19466586, 34350506, 36252119; internal data). It has also been observed to segregate with disease in related individuals. ClinVar contains an entry for this variant (Variation ID: 181617). Invitae Evidence Modeling of protein sequence and biophysical properties (such as structural, functional, and spatial information, amino acid conservation, physicochemical variation, residue mobility, and thermodynamic stability) indicates that this missense variant is not expected to disrupt TNNT2 protein function with a negative predictive value of 80%. This variant disrupts the p.Arg141 amino acid residue in TNNT2. Other variant(s) that disrupt this residue have been determined to be pathogenic (PMID: 11684629, 14654368, 15769782, 21846512, 23539503, 24367593, 24992688, 26656454). This suggests that this residue is clinically significant, and that variants that disrupt this residue are likely to be disease-causing. For these reasons, this variant has been classified as Pathogenic.

Center for Molecular Medicine, Children’s Hospital of Fudan University
Classification: VUS-mid for Dilated cardiomyopathy 1D. Last evaluated: 2025-12-12. Review status: criteria provided, single submitter. Criteria: ACMG Guidelines 2015. Collection method: clinical testing. Allele origin: maternal, paternal. Affected: yes.
Comment: PS4_PP+PM2_PP+PP3

Genesolutions, Medical Genetics Institutes, Ho Chi Minh City, Vietnam
Classification: Likely pathogenic for Hypertrophic cardiomyopathy 2. Last evaluated: 2025-09-24. Review status: criteria provided, single submitter. Criteria: ACMG Guidelines, 2015. Collection method: clinical testing. Allele origin: germline. Affected: yes.

Color Diagnostics, LLC DBA Color Health
Classification: Likely pathogenic for Cardiomyopathy. Last evaluated: 2025-09-15. Review status: criteria provided, single submitter. Criteria: ACMG Guidelines, 2015. Collection method: clinical testing. Allele origin: germline.
Comment: This missense variant replaces arginine with glutamine at codon 141 in the tropomyosin binding domain 1 of the TNNT2 protein. Computational prediction tools indicate that this variant may have a deleterious impact on protein structure and function. To our knowledge, functional studies have not been reported for this variant. This variant has been reported in more than ten individuals affected with dilated cardiomyopathy (PMID: 26899768, 33996946, 34350506, 36252119, 38489124communication with external laboratories: ClinVar SCV000209243.12, SCV000936231.5)one of these individuals also carried a pathogenic truncation variant the TTN gene (PMID: 26899768). This variant has been shown to segregate with dilated cardiomyopathy in two related individuals (PMID: 36252119). This variant has also been reported in several individuals affected with hypertrophic cardiomyopathy (PMID: 12707239, 19645627, 22429680, 25524337) and in an individual affected with sudden cardiac death (PMID: 27332903). This variant has been identified in 2/250100 chromosomes in the general population by the Genome Aggregation Database (gnomAD). A different variant affecting the same codon, p.Arg141Trp, is reported as disease-causing (ClinVar variation ID: 12414), indicating that arginine at this position is important for TNNT2 protein function. Based on the available evidence, this p.Arg141Gln variant is classified as Likely Pathogenic.

GeneDx
Classification: Likely pathogenic. Last evaluated: 2025-08-13. Review status: criteria provided, single submitter. Criteria: GeneDx Variant Classification Process June 2021. Collection method: clinical testing. Allele origin: germline. Affected: yes.
Comment: Identified in multiple unrelated patients with cardiomyopathy referred for genetic testing at GeneDx and in published literature (PMID: 26899768, 34350506, 36396199, 30105547, 33996946, 36252119, 39237976, 37461109); Reported in a case of sudden cardiac death (SCD) that also harbored an additional cardiogenetic variant and a postmortem case with DCM and endocardial fibroelastiosis (PMID: 27332903, 38777137); Observed in an individual with breast cancer and history of cancer therapy-related cardiac dysfunction and chemotherapy-induced cardiomyopathy (PMID: 38616291); Not observed at significant frequency in large population cohorts (gnomAD); In silico analysis supports that this missense variant has a deleterious effect on protein structure/function; Also known as p.(R151Q); This variant is associated with the following publications: (PMID: 19466586, 28007021, 26656454, 24367593, 23539503, 21846512, 15769782, 14654368, 11684629, 24992688, 31589614, 34350506, 34428338, 30105547, 34135346, 26899768, 33223521, 36396199, 33996946, 37728764, 36252119, 28706299, 37461109, 32355288, 39211905, 39237976, 39481677, 39363016, 38777137, 27332903, 39905734, 38616291)

Blueprint Genetics
Classification: Likely pathogenic for TNNT2-related disorders. Last evaluated: 2024-08-12. Review status: criteria provided, single submitter. Criteria: ACMG Guidelines, 2015. Collection method: clinical testing. Allele origin: germline. Affected: yes. Observed: 5 variant alleles.

Lildballe Lab, Aarhus University Hospital
Classification: Likely pathogenic for dilated cardiomyopathy. Last evaluated: 2024-03-01. Review status: criteria provided, single submitter. Criteria: ACMG Guidelines, 2015. Collection method: research. Allele origin: germline. Affected: yes.
Comment: PS4(s) PM5(mod) PM2(sup) PP3(sup) PP5(noinf)

NM_001276345.2(TNNT2):c.452G>A (p.Arg151Gln)

Gene: TNNT2 (troponin T2, cardiac type; minus strand). Cytogenetic location: 1q32.1.
Variant type: single nucleotide variant.
Coding change: c.452G>A on transcript NM_001276345.2 (MANE Select); coding-DNA position 452, G replaced by A.
Protein change: p.Arg151Gln; replaces arginine 151 with glutamine.
Molecular consequence: missense variant.
Genome position (GRCh38, 1-based): chr1:201,364,335, C>T on the plus strand (G>A on the coding strand, the complement: TNNT2 is on the minus strand). VCF-style: chr1-201364335-C-T. GRCh37 (hg19) VCF-style: chr1-201333463-C-T.
Other names: p.R141Q:CGG>CAG; c.452G>A, p.Arg151Gln (NM_000364.4); c.422G>A, p.Arg141Gln (NM_001001430.3, NM_001001431.3, NM_001276347.2); c.407G>A, p.Arg136Gln (NM_001001432.3); c.332G>A, p.Arg111Gln (NM_001276346.2); c.452G>A (NM_000364.2); short protein forms R141Q, R151Q, R111Q, R136Q.
Identifiers: ClinVar variation 181617 (VCV000181617.53), dbSNP rs730881101, ClinGen allele CA004540.